The following is an entry in ClinVar:

ClinVar aggregate classification (germline): Likely benign. Review status: criteria provided, multiple submitters, no conflicts (2 of 4 stars). 2 submissions from 2 submitters: Likely benign (2). Last evaluated 2026-10-01.

Conditions:
Ataxia-telangiectasia syndrome (AT). Also called: LOUIS-BAR SYNDROME; Cerebello-oculocutaneous telangiectasia; Immunodeficiency with ataxia telangiectasia; ATAXIA-TELANGIECTASIA, COMPLEMENTATION GROUP A; ATAXIA-TELANGIECTASIA, FRESNO VARIANT; Ataxia-telangiectasia. Identifiers: Orphanet 100, MedGen C0004135, MONDO:0008840, OMIM 208900.

Submissions (2):

CeGaT Center for Human Genetics Tuebingen
Classification: Likely benign. Last evaluated: 2026-10-01. Review status: criteria provided, single submitter. Criteria: CeGaT Center For Human Genetics Tuebingen Variant Classification Criteria Version 2. Collection method: clinical testing. Allele origin: germline. Affected: yes. Observed: 1 variant allele.
Comment: ATM: PM2:Supporting, BP4, BP7

Labcorp Genetics (formerly Invitae), Labcorp
Classification: Likely benign for Ataxia-telangiectasia syndrome. Last evaluated: 2024-05-19. Review status: criteria provided, single submitter. Criteria: Invitae Variant Classification Sherloc (09022015). Collection method: clinical testing. Allele origin: germline.

NM_000051.4(ATM):c.9147C>T (p.Phe3049=)

Genes: ATM (ATM serine/threonine kinase; plus strand), C11orf65 (chromosome 11 open reading frame 65; minus strand). Cytogenetic location: 11q22.3.
Variant type: single nucleotide variant.
Coding change: c.9147C>T on transcript NM_000051.4 (MANE Select); coding-DNA position 9147, C replaced by T.
Protein change: p.Phe3049=; no amino-acid change (phenylalanine 3049 retained).
Molecular consequence: synonymous variant. On other transcripts: intron variant (2).
Genome position (GRCh38, 1-based): chr11:108,365,484, C>T. VCF-style: chr11-108365484-C-T. GRCh37 (hg19) VCF-style: chr11-108236211-C-T.
Other names: c.9147C>T, p.Phe3049= (NM_001351834.2); c.640+20436G>A (NM_001330368.2); c.694+20436G>A (NM_001351110.2).
Identifiers: ClinVar variation 3619729 (VCV003619729.3).